The following is an entry in ClinVar:

NM_001365951.3(KIF1B):c.*2012C>T

Gene: KIF1B (kinesin family member 1B; plus strand). Cytogenetic location: 1p36.22.
Variant type: single nucleotide variant.
Coding change: c.*2012C>T on transcript NM_001365951.3 (MANE Select); 2012 bases downstream of the stop codon, C replaced by T.
Molecular consequence: 3 prime UTR variant.
Genome position (GRCh38, 1-based): chr1:10,378,599, C>T. VCF-style: chr1-10378599-C-T. GRCh37 (hg19) VCF-style: chr1-10438657-C-T.
Other names: c.*2012C>T (NM_001365952.1, NM_015074.3).
Identifiers: ClinVar variation 291615 (VCV000291615.5), dbSNP rs181454124, ClinGen allele CA10607359.
Genomic context (GRCh38, chr1:10,378,599, plus strand): 5'-GAAAGTATCTGCTCACTCCCACTTGGTGAGTCCTCGGCCTTGAGGTTGCTGACTCTCAGG[C>T]GTTAGGCAGCTGGATGACTTCCCGCTTCACGCAGCAAAGGCCAGGGGCTTGCGCGCCTCT-3'

ClinVar aggregate classification (germline): Benign (1 of 4 stars; one submission).

Conditions:
Neuroblastoma (NB). Identifiers: Orphanet 635, MedGen C0027819, MeSH D009447, MONDO:0005072, HP:0003006.

Allele frequency attached by ClinVar (database versions not stated): gnomAD 0.00003; TOPMed 0.00022; 1000 Genomes Project 0.00040; 1000 Genomes Project 30x 0.00047.
gnomAD v4.1: 67 of 595,936 alleles (0.011%); highest among the groups gnomAD compares: Admixed American, 0.1%; no homozygotes.

Submission:

Illumina Laboratory Services, Illumina
Classification: Benign for Neuroblastoma. Last evaluated: 2018-01-13. Review status: criteria provided, single submitter. Criteria: ICSL Variant Classification Criteria 13 December 2019. Collection method: clinical testing. Allele origin: germline.
Comment: This variant was observed in the ICSL laboratory as part of a predisposition screen in an ostensibly healthy population. It had not been previously curated by ICSL or reported in the Human Gene Mutation Database (HGMD: prior to June 1st, 2018), and was therefore a candidate for classification through an automated scoring system. Utilizing variant allele frequency, disease prevalence and penetrance estimates, and inheritance mode, an automated score was calculated to assess if this variant is too frequent to cause the disease. Based on the score and internal cut-off values, a variant classified as benign is not then subjected to further curation. The score for this variant resulted in a classification of benign for this disease.